The following is an entry in ClinVar:

ClinVar aggregate classification (germline): Uncertain significance. Review status: criteria provided, multiple submitters, no conflicts (2 of 4 stars). 3 submissions from 3 submitters: Uncertain significance (3). Last evaluated 2026-03-19.

Conditions:
PCDH15-related disorder. Also called: PCDH15-related disorders; PCDH15-related condition.

Allele frequency attached by ClinVar (database versions not stated): gnomAD exomes 0.00003; ExAC 0.00006; gnomAD 0.00009; TOPMed 0.00011.
gnomAD v4.1: 51 of 1,612,860 alleles (0.0032%); highest among the groups gnomAD compares: East Asian, 0.045%; no homozygotes.

Submissions (3):

PreventionGenetics, part of Exact Sciences
Classification: Uncertain significance for PCDH15-related condition. Last evaluated: 2026-03-19. Review status: criteria provided, single submitter. Criteria: ACMG Guidelines, 2015. Collection method: clinical testing. Allele origin: germline.
Comment: The PCDH15 c.1440G>A variant is not predicted to result in an amino acid change (p.=). To our knowledge, this variant has not been reported in the literature. This variant is predicted to alter splicing based on available splicing prediction programs (SpliceAI, Jaganathan et al. 2019. PubMed ID: 30661751). However, the use of computer prediction programs is not equivalent to functional evidence. This variant is reported in 0.085% of alleles in individuals of East Asian descent in gnomAD. Although we suspect that this variant may be pathogenic, at this time, the clinical significance of this variant is uncertain due to the absence of conclusive functional and genetic evidence.

Labcorp Genetics (formerly Invitae), Labcorp
Classification: Uncertain significance. Last evaluated: 2024-10-22. Review status: criteria provided, single submitter. Criteria: Invitae Variant Classification Sherloc (09022015). Collection method: clinical testing. Allele origin: germline.
Comment: This sequence change affects codon 480 of the PCDH15 mRNA. It is a 'silent' change, meaning that it does not change the encoded amino acid sequence of the PCDH15 protein. This variant also falls at the last nucleotide of exon 12, which is part of the consensus splice site for this exon. This variant is present in population databases (rs778730996, gnomAD 0.08%). This variant has not been reported in the literature in individuals affected with PCDH15-related conditions. ClinVar contains an entry for this variant (Variation ID: 2166697). Variants that disrupt the consensus splice site are a relatively common cause of aberrant splicing (PMID: 17576681, 9536098). Algorithms developed to predict the effect of sequence changes on RNA splicing suggest that this variant may disrupt the consensus splice site. In summary, the available evidence is currently insufficient to determine the role of this variant in disease. Therefore, it has been classified as a Variant of Uncertain Significance.

Blueprint Genetics
Classification: Uncertain significance. Last evaluated: 2024-08-23. Review status: criteria provided, single submitter. Criteria: ACMG Guidelines, 2015. Collection method: clinical testing. Allele origin: germline.

Literature cited by the submitters: PubMed 17576681 (cited by Labcorp Genetics (formerly Invitae), Labcorp); PubMed 9536098 (cited by Labcorp Genetics (formerly Invitae), Labcorp).

NM_001384140.1(PCDH15):c.1440G>A (p.Ser480=)

Gene: PCDH15 (protocadherin related 15; minus strand). Cytogenetic location: 10q21.1.
Variant type: single nucleotide variant.
Coding change: c.1440G>A on transcript NM_001384140.1 (MANE Select); coding-DNA position 1440, G replaced by A.
Protein change: p.Ser480=; no amino-acid change (serine 480 retained).
Molecular consequence: synonymous variant.
Genome position (GRCh38, 1-based): chr10:54,185,134, C>T on the plus strand (G>A on the coding strand, the complement: PCDH15 is on the minus strand). VCF-style: chr10-54185134-C-T. GRCh37 (hg19) VCF-style: chr10-55944894-C-T.
Other names: c.1455G>A, p.Ser485= (NM_001142763.2, NM_001142771.2); c.1440G>A, p.Ser480= (NM_001142764.2, NM_001142765.2, NM_001142766.2 and 6 more transcripts); c.1329G>A, p.Ser443= (NM_001142767.2); c.1374G>A, p.Ser458= (NM_001142768.2, NM_001142773.2, NM_001354404.2); c.1476G>A, p.Ser492= (NM_001142769.4); c.1461G>A, p.Ser487= (NM_001354411.2); c.1440G>A (NM_033056.3).
Identifiers: ClinVar variation 2166697 (VCV002166697.4), dbSNP rs778730996, ClinGen allele CA5506391.
Genomic context (GRCh38, chr10:54,185,134, plus strand): 5'-TACAAACATACATACATACATTCATACATACATATGTATATTTACACAAAAGCTCTTTAC[C>T]GAAAAGGTGTAAGTTTGCTGTTCTTCCCTGTCCACTGGTTGAAGTAAGGTGAGGTAGCGA-3'
Protein context (NP_001371069.1, residues 470-490): DREEQQTYTF[Ser480=]ITAFDGVQES